The following is an entry in ClinVar:

ClinVar aggregate classification (germline): Uncertain significance (1 of 4 stars; one submission).

Allele frequency attached by ClinVar (database versions not stated): TOPMed below 0.00001; gnomAD exomes 0.00001.
gnomAD v4.1: 9 of 1,613,530 alleles (0.00056%); highest among the groups gnomAD compares: Non-Finnish European, 0.00076%; no homozygotes.

Submission:

Labcorp Genetics (formerly Invitae), Labcorp
Classification: Uncertain significance. Last evaluated: 2023-09-05. Review status: criteria provided, single submitter. Criteria: Invitae Variant Classification Sherloc (09022015). Collection method: clinical testing. Allele origin: germline.
Comment: In summary, the available evidence is currently insufficient to determine the role of this variant in disease. Therefore, it has been classified as a Variant of Uncertain Significance. Algorithms developed to predict the effect of missense changes on protein structure and function output the following: SIFT: "Not Available"; PolyPhen-2: "Benign"; Align-GVGD: "Not Available". The glycine amino acid residue is found in multiple mammalian species, which suggests that this missense change does not adversely affect protein function. This variant has not been reported in the literature in individuals affected with MMP14-related conditions. This variant is not present in population databases (gnomAD no frequency). This sequence change replaces aspartic acid, which is acidic and polar, with glycine, which is neutral and non-polar, at codon 307 of the MMP14 protein (p.Asp307Gly).

NM_004995.4(MMP14):c.920A>G (p.Asp307Gly)

Gene: MMP14 (matrix metallopeptidase 14; plus strand). Cytogenetic location: 14q11.2.
Variant type: single nucleotide variant.
Coding change: c.920A>G on transcript NM_004995.4 (MANE Select); coding-DNA position 920, A replaced by G.
Protein change: p.Asp307Gly; replaces aspartic acid 307 with glycine.
Molecular consequence: missense variant.
Genome position (GRCh38, 1-based): chr14:22,843,779, A>G. VCF-style: chr14-22843779-A-G. GRCh37 (hg19) VCF-style: chr14-23312988-A-G.
Other names: short protein forms D307G.
Identifiers: ClinVar variation 2877804 (VCV002877804.3), dbSNP rs1220846314, ClinGen allele CA388931328.